The following is an entry in ClinVar:

NM_001267550.2(TTN):c.88523G>A (p.Ser29508Asn)

Genes: TTN (titin; minus strand), TTN-AS1 (TTN antisense RNA 1; plus strand). Cytogenetic location: 2q31.2.
Variant type: single nucleotide variant.
Coding change: c.88523G>A on transcript NM_001267550.2 (MANE Select); coding-DNA position 88523, G replaced by A.
Protein change: p.Ser29508Asn; replaces serine 29508 with asparagine.
Molecular consequence: missense variant.
Genome position (GRCh38, 1-based): chr2:178,554,936, C>T on the plus strand (G>A on the coding strand, the complement: TTN is on the minus strand). VCF-style: chr2-178554936-C-T. GRCh37 (hg19) VCF-style: chr2-179419663-C-T.
Other names: c.83600G>A, p.Ser27867Asn (NM_001256850.1); c.61328G>A, p.Ser20443Asn (NM_003319.4); c.80819G>A, p.Ser26940Asn (NM_133378.4); c.61703G>A, p.Ser20568Asn (NM_133432.3); c.61904G>A, p.Ser20635Asn (NM_133437.4); short protein forms S27867N, S20568N, S20635N, S26940N, S20443N, S29508N.
Identifiers: ClinVar variation 669101 (VCV000669101.35), dbSNP rs1314571330, ClinGen allele CA349527008.

ClinVar aggregate classification (germline): Conflicting classifications of pathogenicity. Review status: criteria provided, conflicting classifications (1 of 4 stars). 4 submissions from 4 submitters: Uncertain significance (3); Likely benign (1). Last evaluated 2026-08-25.

Conditions:
TTN-related disorder. Also called: TTN-related condition; TTN-related disease; TTN-related disorders.

Allele frequency attached by ClinVar (database versions not stated): gnomAD 0.00003 and 0.00004; gnomAD exomes 0.00004; TOPMed 0.00005.
gnomAD v4.1: 28 of 1,613,728 alleles (0.0017%); highest among the groups gnomAD compares: Admixed American, 0.02%; no homozygotes.

Submissions (4):

PreventionGenetics, part of Exact Sciences
Classification: Uncertain significance for TTN-related condition. Last evaluated: 2026-08-25. Review status: criteria provided, single submitter. Criteria: ACMG Guidelines, 2015. Collection method: clinical testing. Allele origin: germline.
Comment: The TTN c.88523G>A variant is predicted to result in the amino acid substitution p.Ser29508Asn. This variant, also known as c.80819G>A (p.Ser26940Asn) in an alternate transcript (NM_133378.4), has been reported in an individual with sudden unexplained death (reported as c.80819G>A, Table S1, Campuzano et al. 2015. PubMed ID: 26516846). This variant is reported in 0.020% of alleles in individuals of Latino descent in gnomAD. At this time, the clinical significance of this variant is uncertain due to the absence of conclusive functional and genetic evidence.

Women's Health and Genetics/Laboratory Corporation of America, LabCorp
Classification: Uncertain significance. Last evaluated: 2024-09-30. Review status: criteria provided, single submitter. Criteria: LabCorp Variant Classification Summary - May 2015. Collection method: clinical testing. Allele origin: germline.
Comment: Variant summary: TTN c.80819G>A (p.Ser26940Asn) results in a conservative amino acid change located in the A-band domain of the encoded protein sequence. Two of four in-silico tools predict a benign effect of the variant on protein function. The variant allele was found at a frequency of 3.6e-05 in 248540 control chromosomes (gnomAD). The available data on variant occurrences in the general population are insufficient to allow any conclusion about variant significance. c.80819G>A has been reported in the literature in at least one individual affected with Sudden Unexplained Death (Campuzano_2015). The report does not provide unequivocal conclusions about association of the variant with Limb-Girdle Muscular Dystrophy, Type 2J. To our knowledge, no experimental evidence demonstrating an impact on protein function has been reported. The following publication have been ascertained in the context of this evaluation (PMID: 26516846). ClinVar contains an entry for this variant (Variation ID: 669101). Based on the evidence outlined above, the variant was classified as uncertain significance.

CeGaT Center for Human Genetics Tuebingen
Classification: Uncertain significance. Last evaluated: 2022-07-01. Review status: criteria provided, single submitter. Criteria: CeGaT Center For Human Genetics Tuebingen Variant Classification Criteria Version 2. Collection method: clinical testing. Allele origin: germline. Affected: yes. Observed: 1 variant allele.

GeneDx
Classification: Likely benign. Last evaluated: 2020-10-05. Review status: criteria provided, single submitter. Criteria: GeneDx Variant Classification Process June 2021. Collection method: clinical testing. Allele origin: germline. Affected: yes.

Literature cited by the submitters: PubMed 26516846 (cited by Women's Health and Genetics/Laboratory Corporation of America, LabCorp).